The following is an entry in ClinVar:

NM_000360.4(TH):c.730G>A (p.Ala244Thr)

Gene: TH (tyrosine hydroxylase; minus strand). Cytogenetic location: 11p15.5.
Variant type: single nucleotide variant.
Coding change: c.730G>A on transcript NM_000360.4 (MANE Select); coding-DNA position 730, G replaced by A.
Protein change: p.Ala244Thr; replaces alanine 244 with threonine.
Molecular consequence: missense variant.
Genome position (GRCh38, 1-based): chr11:2,166,998, C>T on the plus strand (G>A on the coding strand, the complement: TH is on the minus strand). VCF-style: chr11-2166998-C-T. GRCh37 (hg19) VCF-style: chr11-2188228-C-T.
Other names: c.823G>A, p.Ala275Thr (NM_199292.3); c.811G>A, p.Ala271Thr (NM_199293.3); short protein forms A244T, A271T, A275T.
Identifiers: ClinVar variation 3720870 (VCV003720870.2).

ClinVar aggregate classification (germline): Uncertain significance (1 of 4 stars; one submission).

Conditions:
TH-deficient dopa-responsive dystonia. Also called: Tyrosine Hydroxylase-Deficient Dopa-Responsive Dystonia; Segawa syndrome, autosomal recessive; DYT-TH. Identifiers: Orphanet 101150, MedGen C2673535, MONDO:0011551, OMIM 605407.

Submission:

Labcorp Genetics (formerly Invitae), Labcorp
Classification: Uncertain significance for TH-deficient dopa-responsive dystonia. Last evaluated: 2024-08-22. Review status: criteria provided, single submitter. Criteria: Invitae Variant Classification Sherloc (09022015). Collection method: clinical testing. Allele origin: germline.
Comment: This sequence change replaces alanine, which is neutral and non-polar, with threonine, which is neutral and polar, at codon 275 of the TH protein (p.Ala275Thr). The frequency data for this variant in the population databases is considered unreliable, as metrics indicate poor data quality at this position in the gnomAD database. This variant has not been reported in the literature in individuals affected with TH-related conditions. Invitae Evidence Modeling of protein sequence and biophysical properties (such as structural, functional, and spatial information, amino acid conservation, physicochemical variation, residue mobility, and thermodynamic stability) has been performed for this missense variant. However, the output from this modeling did not meet the statistical confidence thresholds required to predict the impact of this variant on TH protein function. In summary, the available evidence is currently insufficient to determine the role of this variant in disease. Therefore, it has been classified as a Variant of Uncertain Significance.